The following is an entry in ClinVar:

ClinVar aggregate classification (germline): Uncertain significance (1 of 4 stars; one submission).

Conditions:
EP300-related disorder. Also called: EP300-related condition; EP300-related disorders.

gnomAD v4.1: 10 of 1,613,934 alleles (0.00062%); highest among the groups gnomAD compares: African/African-American, 0.0013%; no homozygotes.

Submission:

PreventionGenetics, part of Exact Sciences
Classification: Uncertain significance for EP300-related condition. Last evaluated: 2025-04-25. Review status: criteria provided, single submitter. Criteria: ACMG Guidelines, 2015. Collection method: clinical testing. Allele origin: germline.
Comment: The EP300 c.2502T>G variant is not predicted to result in an amino acid change (p.=). To our knowledge, this variant has not been reported in the literature. This variant is predicted to alter splicing based on available splicing prediction programs (SpliceAI, Jaganathan et al. 2019. PubMed ID: 30661751). However, the use of computer prediction programs is not equivalent to functional evidence. This variant is reported in 0.0033% of alleles in individuals of South Asian descent in gnomAD. At this time, the clinical significance of this variant is uncertain due to the absence of conclusive functional and genetic evidence.

NM_001429.4(EP300):c.2502T>G (p.Pro834=)

Gene: EP300 (EP300 lysine acetyltransferase; plus strand). Cytogenetic location: 22q13.2.
Variant type: single nucleotide variant.
Coding change: c.2502T>G on transcript NM_001429.4 (MANE Select); coding-DNA position 2502, T replaced by G.
Protein change: p.Pro834=; no amino-acid change (proline 834 retained).
Molecular consequence: synonymous variant.
Genome position (GRCh38, 1-based): chr22:41,149,883, T>G. VCF-style: chr22-41149883-T-G. GRCh37 (hg19) VCF-style: chr22-41545887-T-G.
Other names: c.2424T>G, p.Pro808= (NM_001362843.2).
Identifiers: ClinVar variation 4989659 (VCV004989659.1).